The following is an entry in ClinVar:

NM_001098634.2(RBM47):c.1485_1496del (p.Ala499_Ala502del)

Gene: RBM47 (RNA binding motif protein 47; minus strand). Cytogenetic location: 4p14.
Variant type: Deletion.
Coding change: c.1485_1496del on transcript NM_001098634.2 (MANE Select); coding-DNA positions 1485 to 1496, 12 bases deleted (GGCCGCAGCCGC).
Protein change: p.Ala499_Ala502del.
Molecular consequence: inframe deletion.
Genome position (GRCh38, 1-based): chr4:40,432,697-40,432,708, GCGGCTGCGGCC deleted on the plus strand (GGCCGCAGCCGC on the coding strand, the reverse complement: RBM47 is on the minus strand); deleting any 12 consecutive bases within chr4:40,432,697-40,432,719 gives the same sequence; the c. name uses the placement nearest the transcript's 3' end. VCF-style (leftmost placement, unchanged base first): chr4-40432696-GGCGGCTGCGGCC-G. GRCh37 (hg19) VCF-style: chr4-40434713-GGCGGCTGCGGCC-G.
Other names: c.1485_1496del, p.Ala499_Ala502del (NM_001371113.1); c.1371_1382del, p.Ala461_Ala464del (NM_001371114.1); c.1278_1289del, p.Ala430_Ala433del (NM_019027.4).
Identifiers: ClinVar variation 2654737 (VCV002654737.24), dbSNP rs528269773, ClinGen allele CA2898315.

ClinVar aggregate classification (germline): Likely benign (1 of 4 stars; one submission).

Submission:

CeGaT Center for Human Genetics Tuebingen
Classification: Likely benign. Last evaluated: 2022-11-01. Review status: criteria provided, single submitter. Criteria: CeGaT Center For Human Genetics Tuebingen Variant Classification Criteria Version 2. Collection method: clinical testing. Allele origin: germline. Affected: yes. Observed: 1 variant allele.
Comment: RBM47: BS2